The following is an entry in ClinVar:

NM_001999.4(FBN2):c.3943A>G (p.Met1315Val)

Gene: FBN2 (fibrillin 2; minus strand). Cytogenetic location: 5q23.3.
Variant type: single nucleotide variant.
Coding change: c.3943A>G on transcript NM_001999.4 (MANE Select); coding-DNA position 3943, A replaced by G.
Protein change: p.Met1315Val; replaces methionine 1315 with valine.
Molecular consequence: missense variant.
Genome position (GRCh38, 1-based): chr5:128,335,200, T>C on the plus strand (A>G on the coding strand, the complement: FBN2 is on the minus strand). VCF-style: chr5-128335200-T-C. GRCh37 (hg19) VCF-style: chr5-127670892-T-C.
Other names: short protein forms M1315V.
Identifiers: ClinVar variation 4703095 (VCV004703095.1).

ClinVar aggregate classification (germline): Uncertain significance (1 of 4 stars; one submission).

Conditions:
Congenital contractural arachnodactyly (CCA). Also called: Arthrogryposis, distal, type 9; BEALS SYNDROME; Beals-Hecht syndrome. Identifiers: Orphanet 115, MedGen C0220668, MONDO:0007363, OMIM 121050.

Submission:

Labcorp Genetics (formerly Invitae), Labcorp
Classification: Uncertain significance for Congenital contractural arachnodactyly. Last evaluated: 2025-07-09. Review status: criteria provided, single submitter. Criteria: Invitae Variant Classification Sherloc (09022015). Collection method: clinical testing. Allele origin: germline.
Comment: This sequence change replaces methionine, which is neutral and non-polar, with valine, which is neutral and non-polar, at codon 1315 of the FBN2 protein (p.Met1315Val). This variant is not present in population databases (gnomAD no frequency). This variant has not been reported in the literature in individuals affected with FBN2-related conditions. Invitae Evidence Modeling of protein sequence and biophysical properties (such as structural, functional, and spatial information, amino acid conservation, physicochemical variation, residue mobility, and thermodynamic stability) indicates that this missense variant is not expected to disrupt FBN2 protein function with a negative predictive value of 80%. In summary, the available evidence is currently insufficient to determine the role of this variant in disease. Therefore, it has been classified as a Variant of Uncertain Significance.